The following is an entry in ClinVar:

NM_138711.6(PPARG):c.369T>A (p.Val123=)

Gene: PPARG (peroxisome proliferator activated receptor gamma; plus strand). Cytogenetic location: 3p25.2.
Variant type: single nucleotide variant.
Coding change: c.369T>A on transcript NM_138711.6 (MANE Select); coding-DNA position 369, T replaced by A.
Protein change: p.Val123=; no amino-acid change (valine 123 retained).
Molecular consequence: synonymous variant. On other transcripts: 5 prime UTR variant (1).
Genome position (GRCh38, 1-based): chr3:12,381,470, T>A. VCF-style: chr3-12381470-T-A. GRCh37 (hg19) VCF-style: chr3-12422969-T-A.
Other names: c.369T>A, p.Val123= (NM_001330615.4, NM_001354666.3, NM_001354667.3 and 6 more transcripts); c.459T>A, p.Val153= (NM_001354668.2, NM_001374265.1, NM_015869.5); c.-59T>A (NM_001354669.2); c.375T>A, p.Val125= (NM_001354670.2, NM_001374266.1).
Identifiers: ClinVar variation 4983451 (VCV004983451.1).

ClinVar aggregate classification (germline): Likely benign (1 of 4 stars; one submission).

Conditions:
PPARG-related disorder. Also called: PPARG-related disorders; PPARG-related condition.

gnomAD v4.1: 12 of 1,613,600 alleles (0.00074%); highest among the groups gnomAD compares: Non-Finnish European, 0.001%; no homozygotes.

Submission:

PreventionGenetics, part of Exact Sciences
Classification: Likely benign for PPARG-related condition. Last evaluated: 2025-10-16. Review status: criteria provided, single submitter. Criteria: ACMG Guidelines, 2015. Collection method: clinical testing. Allele origin: germline.
Comment: This variant is classified as likely benign based on ACMG/AMP sequence variant interpretation guidelines (Richards et al. 2015 PMID: 25741868, with internal and published modifications).